The following is an entry in ClinVar:

NM_001429.4(EP300):c.2598T>A (p.Pro866=)

Gene: EP300 (EP300 lysine acetyltransferase; plus strand). Cytogenetic location: 22q13.2.
Variant type: single nucleotide variant.
Coding change: c.2598T>A on transcript NM_001429.4 (MANE Select); coding-DNA position 2598, T replaced by A.
Protein change: p.Pro866=; no amino-acid change (proline 866 retained).
Molecular consequence: synonymous variant.
Genome position (GRCh38, 1-based): chr22:41,149,979, T>A. VCF-style: chr22-41149979-T-A. GRCh37 (hg19) VCF-style: chr22-41545983-T-A.
Other names: c.2520T>A, p.Pro840= (NM_001362843.2); c.2598T>A (NM_001429.3).
Identifiers: ClinVar variation 2051634 (VCV002051634.5), dbSNP rs1601619708, ClinGen allele CA514793265.

ClinVar aggregate classification (germline): Likely benign. Review status: criteria provided, multiple submitters, no conflicts (2 of 4 stars). 2 submissions from 2 submitters: Likely benign (2). Last evaluated 2025-09-08.

Conditions:
EP300-related disorder. Also called: EP300-related condition; EP300-related disorders.
Rubinstein-Taybi syndrome due to EP300 haploinsufficiency. Also called: EP300-Related Rubinstein-Taybi Syndrome; RUBINSTEIN-TAYBI SYNDROME 2. Identifiers: Orphanet 353284, Orphanet 783, MedGen C3150941, MONDO:0013364, OMIM 613684.

Allele frequency attached by ClinVar (database versions not stated): gnomAD exomes below 0.00001.
gnomAD v4.1: 1 of 1,611,112 alleles (0.000062%); highest among the groups gnomAD compares: Non-Finnish European, 0.000085%; no homozygotes.

Submissions (2):

PreventionGenetics, part of Exact Sciences
Classification: Likely benign for EP300-related condition. Last evaluated: 2025-09-08. Review status: criteria provided, single submitter. Criteria: ACMG Guidelines, 2015. Collection method: clinical testing. Allele origin: germline.
Comment: This variant is classified as likely benign based on ACMG/AMP sequence variant interpretation guidelines (Richards et al. 2015 PMID: 25741868, with internal and published modifications).

Labcorp Genetics (formerly Invitae), Labcorp
Classification: Likely benign for Rubinstein-Taybi syndrome due to EP300 haploinsufficiency. Last evaluated: 2024-07-12. Review status: criteria provided, single submitter. Criteria: Invitae Variant Classification Sherloc (09022015). Collection method: clinical testing. Allele origin: germline.